The following is an entry in ClinVar:

ClinVar aggregate classification (germline): Conflicting classifications of pathogenicity. Review status: criteria provided, conflicting classifications (1 of 4 stars). 3 submissions from 3 submitters: Uncertain significance (2); Likely benign (1). Last evaluated 2025-04-09.

Conditions:
Myopathy, myofibrillar, 9, with early respiratory failure (MFM9). Also called: EDSTROM MYOPATHY; MYOPATHY, PROXIMAL, WITH EARLY RESPIRATORY MUSCLE INVOLVEMENT; Myopathy, distal, with early respiratory failure, autosomal dominant; Hereditary myopathy with early respiratory failure. Identifiers: Orphanet 178464, Orphanet 34521, MedGen C1863599, MONDO:0011362, OMIM 603689.
Early-onset myopathy with fatal cardiomyopathy (CMYO5). Also called: CONGENITAL MYOPATHY 5 WITH CARDIOMYOPATHY; Salih Myopathy. Identifiers: Orphanet 289377, MedGen C2673677, MONDO:0012714, OMIM 611705. Disease mechanism: loss of function.
Hypertrophic cardiomyopathy 9. Also called: Familial hypertrophic cardiomyopathy 9. Identifiers: MedGen C1861065, MONDO:0013412, OMIM 613765.
Dilated cardiomyopathy 1G (CMD1G). Identifiers: Orphanet 154, MedGen C1858763, MONDO:0011400, OMIM 604145.
Tibial muscular dystrophy (TMD). Also called: UDD MYOPATHY; Tibial muscular dystrophy, tardive; Udd Distal Myopathy – Tibial Muscular Dystrophy. Identifiers: Orphanet 609, MedGen C1838244, MONDO:0010870, OMIM 600334.
Autosomal recessive limb-girdle muscular dystrophy type 2J (LGMDR10). Also called: MUSCULAR DYSTROPHY, LIMB-GIRDLE, AUTOSOMAL RECESSIVE 10; Limb-girdle muscular dystrophy, type 2J. Identifiers: Orphanet 140922, MedGen C1837342, MONDO:0012127, OMIM 608807.

Allele frequency attached by ClinVar (database versions not stated): ExAC 0.00011; TOPMed 0.00028; gnomAD 0.00033 and 0.00037; ESP Exome Variant Server 0.00046.

Submissions (3):

Molecular Diagnostic Laboratory for Inherited Cardiovascular Disease, Montreal Heart Institute
Classification: Likely benign. Last evaluated: 2025-04-09. Review status: criteria provided, single submitter. Criteria: ACMG Guidelines, 2015. Collection method: clinical testing. Allele origin: germline. Affected: no.

Fulgent Genetics
Classification: Uncertain significance for Tibial muscular dystrophy; Myopathy, myofibrillar, 9, with early respiratory failure; Dilated cardiomyopathy 1G; Autosomal recessive limb-girdle muscular dystrophy type 2J; Early-onset myopathy with fatal cardiomyopathy; Hypertrophic cardiomyopathy 9. Last evaluated: 2022-01-24. Review status: criteria provided, single submitter. Criteria: ACMG Guidelines, 2015. Collection method: clinical testing. Allele origin: unknown.

GeneDx
Classification: Uncertain significance. Last evaluated: 2014-04-01. Review status: criteria provided, single submitter. Criteria: GeneDx Variant Classification (06012015). Collection method: clinical testing. Allele origin: germline. Affected: yes.
Comment: Missense variants in the TTN gene are considered 'unclassified' if they are not previously reported in the literature and do not have >1% frequency in the population to be considered a polymorphism. Research indicates that truncating mutations in the TTN gene are expected to account for approximately 25% of familial and 18% of sporadic idiopathic DCM; however, truncating variants in the TTN gene have been reported in approximately 3% of reported control alleles. There has been little investigation into non-truncating variants. (Herman D et al. Truncations of titin causing dilated cardiomyopathy. N Eng J Med 366:619-628, 2012) The variant is found in DCM-CRDM panel(s).

NM_133379.5(TTN):c.11649T>G (p.Phe3883Leu)

Gene: TTN (titin; minus strand). Cytogenetic location: 2q31.2.
Variant type: single nucleotide variant.
Coding change: c.11649T>G on transcript NM_133379.5; coding-DNA position 11649, T replaced by G.
Protein change: p.Phe3883Leu; replaces phenylalanine 3883 with leucine.
Molecular consequence: missense variant. On other transcripts: intron variant (6).
Genome position (GRCh38, 1-based): chr2:178,750,751, A>C on the plus strand (T>G on the coding strand, the complement: TTN is on the minus strand). VCF-style: chr2-178750751-A-C. GRCh37 (hg19) VCF-style: chr2-179615478-A-C.
Other names: p.F3883L:TTT>TTG; c.11649T>G (NM_133379.4); c.10222+2373T>G (NM_003319.4); c.10798+2373T>G (NM_133437.4); c.10597+2373T>G (NM_133432.3); c.10360+2373T>G (NM_133378.4, NM_001256850.1); c.11311+2373T>G (NM_001267550.2); short protein forms F3883L.
Identifiers: ClinVar variation 203186 (VCV000203186.4), dbSNP rs148581002, ClinGen allele CA311619.
Genomic context (GRCh38, chr2:178,750,751, plus strand): 5'-ATCCTTTTTTATTCTTTCACTAGCTATTTCTTCACTTTCTTCAACATTTACAAGTGTACC[A>C]AAAGATTCGCTGGCATGTGGTGTAATAGCTTGAGACACATTTTCAGGAGTCTCATATACT-3'